The following is an entry in ClinVar:

ClinVar aggregate classification (germline): Uncertain significance (1 of 4 stars; one submission).

Conditions:
EP300-related disorder. Also called: EP300-related condition; EP300-related disorders.

Submission:

PreventionGenetics, part of Exact Sciences
Classification: Uncertain significance for EP300-related condition. Last evaluated: 2025-10-22. Review status: criteria provided, single submitter. Criteria: ACMG Guidelines, 2015. Collection method: clinical testing. Allele origin: germline.
Comment: The EP300 c.2123C>T variant is predicted to result in the amino acid substitution p.Pro708Leu. To our knowledge, this variant has not been reported in the literature or in a large population database (gnomAD), indicating this variant is rare. At this time, the clinical significance of this variant is uncertain due to the absence of conclusive functional and genetic evidence.

NM_001429.4(EP300):c.2123C>T (p.Pro708Leu)

Gene: EP300 (EP300 lysine acetyltransferase; plus strand). Cytogenetic location: 22q13.2.
Variant type: single nucleotide variant.
Coding change: c.2123C>T on transcript NM_001429.4 (MANE Select); coding-DNA position 2123, C replaced by T.
Protein change: p.Pro708Leu; replaces proline 708 with leucine.
Molecular consequence: missense variant. On other transcripts: intron variant (1).
Genome position (GRCh38, 1-based): chr22:41,146,808, C>T. VCF-style: chr22-41146808-C-T. GRCh37 (hg19) VCF-style: chr22-41542812-C-T.
Other names: c.2054-1029C>T (NM_001362843.2); short protein forms P708L.
Identifiers: ClinVar variation 4995544 (VCV004995544.1).